The following is an entry in ClinVar:

ClinVar aggregate classification (germline): Uncertain significance (1 of 4 stars; one submission).

Conditions:
Hereditary breast ovarian cancer syndrome. Also called: Hereditary breast and ovarian cancer; Hereditary breast and ovarian cancer syndrome (HBOC); Breast and ovarian cancer; Hereditary breast and/or ovarian cancer syndrome; BRCA1- and BRCA2-Associated Hereditary Breast and Ovarian Cancer; Hereditary breast and ovarian cancer syndrome. Identifiers: Orphanet 145, MedGen C0677776, MeSH D061325, MONDO:0003582. Disease mechanism: loss of function.

Submissions (2):

Labcorp Genetics (formerly Invitae), Labcorp
Classification: Uncertain significance for Hereditary breast ovarian cancer syndrome. Last evaluated: 2020-06-11. Review status: criteria provided, single submitter. Criteria: Invitae Variant Classification Sherloc (09022015). Collection method: clinical testing. Allele origin: germline.
Comment: In summary, the available evidence is currently insufficient to determine the role of this variant in disease. Therefore, it has been classified as a Variant of Uncertain Significance. This variant has been reported not to substantially affect BRCA1 protein function (PMID: 30209399). This variant has not been reported in the literature in individuals with BRCA1-related conditions. ClinVar contains an entry for this variant (Variation ID: 867726). This variant is not present in population databases (ExAC no frequency). This sequence change replaces glutamine with glutamic acid at codon 19 of the BRCA1 protein (p.Gln19Glu). The glutamine residue is highly conserved and there is a small physicochemical difference between glutamine and glutamic acid.

Brotman Baty Institute, University of Washington
No classification provided (evidence only). Condition: Breast-ovarian cancer, familial 1. Review status: no classification provided. Collection method: in vitro. Allele origin: not applicable. Functional consequence: functionally_normal. Not counted in ClinVar's aggregate classification.
ClinVar note: "not provided" was previously submitted as the classification for the variant. However, the classification appeared to be based only on an observation of functional data so it was converted to no classification on 2025-07-30.

Literature cited by the submitters: PubMed 30209399 (cited by Labcorp Genetics (formerly Invitae), Labcorp).

NM_007294.4(BRCA1):c.55C>G (p.Gln19Glu)

Gene: BRCA1 (BRCA1 DNA repair associated; minus strand). Cytogenetic location: 17q21.31.
Variant type: single nucleotide variant.
Coding change: c.55C>G on transcript NM_007294.4 (MANE Select); coding-DNA position 55, C replaced by G.
Protein change: p.Gln19Glu; replaces glutamine 19 with glutamic acid.
Molecular consequence: missense variant. On other transcripts: 5 prime UTR variant (1), non-coding transcript variant (1).
Genome position (GRCh38, 1-based): chr17:43,124,042, G>C on the plus strand (C>G on the coding strand, the complement: BRCA1 is on the minus strand). VCF-style: chr17-43124042-G-C. GRCh37 (hg19) VCF-style: chr17-41276059-G-C.
Other names: c.-134C>G (NM_001407571.1, NM_001407853.1, NM_001407879.1 and 46 more transcripts); c.55C>G, p.Gln19Glu (NM_001407581.1, NM_001407582.1, NM_001407583.1 and 193 more transcripts); c.-203C>G (NM_001407694.1, NM_001407724.1, NM_001407727.1 and 11 more transcripts); c.-207C>G (NM_001407695.1, NM_001408465.1); c.-348C>G (NM_001407696.1); c.-232C>G (NM_001407697.1, NM_001407846.1, NM_001407920.1); c.-33C>G (NM_001407698.1, NM_001407732.1, NM_001407736.1 and 23 more transcripts); c.-206C>G (NM_001407725.1, NM_001407730.1, NM_001407734.1 and 22 more transcripts); and 8 more; short protein forms Q19E.
Identifiers: ClinVar variation 867726 (VCV000867726.12), dbSNP rs397509299, ClinGen allele CA10602047.
Genomic context (GRCh38, chr17:43,124,042, plus strand): 5'-GAATCCCAAATTAATACACTCTTGTGCTGACTTACCAGATGGGACACTCTAAGATTTTCT[G>C]CATAGCATTAATGACATTTTGTACTTCTTCAACGCGAAGAGCAGATAAATCCATTTCTTT-3'
Protein context (NP_009225.1, residues 9-29): EEVQNVINAM[Gln19Glu]KILECPICLE